The following is an entry in ClinVar:

NM_000463.3(UGT1A1):c.1002del (p.Trp335fs)

Genes: UGT1A (UDP glucuronosyltransferase family 1 member A complex locus; plus strand), UGT1A1 (UDP glucuronosyltransferase family 1 member A1; plus strand), UGT1A10 (UDP glucuronosyltransferase family 1 member A10; plus strand), UGT1A3 (UDP glucuronosyltransferase family 1 member A3; plus strand), UGT1A4 (UDP glucuronosyltransferase family 1 member A4; plus strand) and 5 more. Cytogenetic location: 2q37.1.
Variant type: Deletion.
Coding change: c.1002del on transcript NM_000463.3 (MANE Select); coding-DNA position 1002, one base deleted (G; older notation c.1002delG).
Protein change: p.Trp335fs; shifts the reading frame from tryptophan 335.
Molecular consequence: frameshift variant.
Genome position (GRCh38, 1-based): chr2:233,767,854, G deleted. VCF-style (leftmost placement, unchanged base first): chr2-233767853-TG-T. GRCh37 (hg19) VCF-style: chr2-234676499-TG-T.
Other names: c.993del, p.Trp332fs (NM_019075.4, NM_019076.5, NM_019077.3 and 1 more transcripts); c.999del, p.Trp334fs (NM_001072.4); c.198del, p.Trp67fs (NM_205862.3); c.1005del, p.Trp336fs (NM_019078.2, NM_007120.3, NM_019093.4); short protein forms W332fs, W334fs, W335fs, W336fs, W67fs.
Identifiers: ClinVar variation 2417532 (VCV002417532.7), dbSNP rs1559414567, ClinGen allele CA916801553.

ClinVar aggregate classification (germline): Pathogenic. Review status: criteria provided, multiple submitters, no conflicts (2 of 4 stars). 2 submissions from 2 submitters: Pathogenic (2). Last evaluated 2025-12-18.

Conditions:
UGT1A1-related disorder. Also called: UGT1A1-related condition; UGT1A1-related disorders.

Allele frequency attached by ClinVar (database versions not stated): gnomAD exomes below 0.00001.

Submissions (2):

PreventionGenetics, part of Exact Sciences
Classification: Pathogenic for UGT1A1-related condition. Last evaluated: 2025-12-18. Review status: criteria provided, single submitter. Criteria: ACMG Guidelines, 2015. Collection method: clinical testing. Allele origin: germline.
Comment: The UGT1A1 c.1002delG variant is predicted to result in a frameshift and premature protein termination (p.Trp335Glyfs*31). This variant has been reported in a neonate with severe hyperbilirubinemia (Wang et al. 2023. PubMed ID: 38274110). This variant has also been reported along with a missense and risk variant in UGT1A1 (phase unknown) in an infant with jaundice and prolonged hyperbilirubinemia (Chiles et al. 2024. PubMed ID: 39616130). This variant is reported in 0.00090% of alleles in individuals of European (Non-Finnish) descent in gnomAD. Frameshift variants in UGT1A1 are expected to be pathogenic. This variant is interpreted as pathogenic.

Labcorp Genetics (formerly Invitae), Labcorp
Classification: Pathogenic. Last evaluated: 2022-08-04. Review status: criteria provided, single submitter. Criteria: Invitae Variant Classification Sherloc (09022015). Collection method: clinical testing. Allele origin: germline.
Comment: For these reasons, this variant has been classified as Pathogenic. This variant has not been reported in the literature in individuals affected with UGT1A1-related conditions. This variant is not present in population databases (gnomAD no frequency). This sequence change creates a premature translational stop signal (p.Trp335Glyfs*31) in the UGT1A1 gene. It is expected to result in an absent or disrupted protein product. Loss-of-function variants in UGT1A1 are known to be pathogenic (PMID: 23290513).

Literature cited by the submitters: PubMed 23290513 (cited by Labcorp Genetics (formerly Invitae), Labcorp).